The following is an entry in ClinVar:

ClinVar aggregate classification (germline): Pathogenic (1 of 4 stars; one submission).

Submission:

Labcorp Genetics (formerly Invitae), Labcorp
Classification: Pathogenic. Last evaluated: 2024-02-02. Review status: criteria provided, single submitter. Criteria: Invitae Variant Classification Sherloc (09022015). Collection method: clinical testing. Allele origin: germline.
Comment: This sequence change results in a frameshift in the ERCC2 gene (p.Cys663Valfs*111). While this is not anticipated to result in nonsense mediated decay, it is expected to disrupt the last 98 amino acid(s) of the ERCC2 protein and extend the protein by 12 additional amino acid residues. This variant is not present in population databases (gnomAD no frequency). This variant has not been reported in the literature in individuals affected with ERCC2-related conditions. Algorithms developed to predict the effect of sequence changes on RNA splicing suggest that this variant may disrupt the consensus splice site. This variant disrupts a region of the ERCC2 protein in which other variant(s) (p.Ala725Pro) have been determined to be pathogenic (PMID: 9195225, 23232694, 25002996). This suggests that this is a clinically significant region of the protein, and that variants that disrupt it are likely to be disease-causing. For these reasons, this variant has been classified as Pathogenic.

Literature cited by the submitters: PubMed 9195225; PubMed 23232694; PubMed 25002996.

NM_000400.4(ERCC2):c.1986dup (p.Cys663fs)

Gene: ERCC2 (ERCC excision repair 2, TFIIH core complex helicase subunit; minus strand). Cytogenetic location: 19q13.32.
Variant type: Duplication.
Coding change: c.1986dup on transcript NM_000400.4 (MANE Select); coding-DNA position 1986, one base duplicated (G; older notation c.1986dupG).
Protein change: p.Cys663fs; shifts the reading frame from cysteine 663.
Molecular consequence: frameshift variant.
Genome position (GRCh38, 1-based): chr19:45,352,566, C duplicated on the plus strand (G on the coding strand, the reverse complement: ERCC2 is on the minus strand). VCF-style (leftmost placement, unchanged base first): chr19-45352565-A-AC. GRCh37 (hg19) VCF-style: chr19-45855823-A-AC.
Other names: short protein forms C663fs.
Identifiers: ClinVar variation 3638348 (VCV003638348.2).